The following is an entry in ClinVar:

ClinVar aggregate classification (germline): Uncertain significance. Review status: criteria provided, single submitter (1 of 4 stars). 2 submissions from 2 submitters: Uncertain significance (1). 1 of the submissions does not count toward it. Last evaluated 2024-10-28.

Conditions:
PLXNA3-related disorder. Also called: PLXNA3-related condition.

Allele frequency attached by ClinVar (database versions not stated): TOPMed 0.00009; gnomAD exomes 0.00016; 1000 Genomes Project 30x 0.00021; 1000 Genomes Project 0.00026; gnomAD 0.00030; ExAC 0.00034.
gnomAD v4.1: 212 of 1,210,269 alleles (0.018%); highest among the groups gnomAD compares: Non-Finnish European, 0.016%; no homozygotes.

Submissions (2):

Ambry Genetics
Classification: Uncertain significance. Last evaluated: 2024-10-28. Review status: criteria provided, single submitter. Criteria: Ambry Variant Classification Scheme 2023. Collection method: clinical testing. Allele origin: germline.

PreventionGenetics, part of Exact Sciences
Classification: Likely benign for PLXNA3-related condition. Last evaluated: 2022-04-28. Review status: no assertion criteria provided. Collection method: clinical testing. Allele origin: germline. Not counted in ClinVar's aggregate classification.
Comment: This variant is classified as likely benign based on ACMG/AMP sequence variant interpretation guidelines (Richards et al. 2015 PMID: 25741868, with internal and published modifications).

NM_017514.5(PLXNA3):c.4112C>T (p.Ala1371Val)

Gene: PLXNA3 (plexin A3; plus strand). Cytogenetic location: Xq28.
Variant type: single nucleotide variant.
Coding change: c.4112C>T on transcript NM_017514.5 (MANE Select); coding-DNA position 4112, C replaced by T.
Protein change: p.Ala1371Val; replaces alanine 1371 with valine.
Molecular consequence: missense variant.
Genome position (GRCh38, 1-based): chrX:154,468,451, C>T. VCF-style: chrX-154468451-C-T. GRCh37 (hg19) VCF-style: chrX-153696794-C-T.
Other names: short protein forms A1371V.
Identifiers: ClinVar variation 2212808 (VCV002212808.5), dbSNP rs202189139, ClinGen allele CA10564806.